The following is an entry in ClinVar:

NM_000528.4(MAN2B1):c.914G>A (p.Arg305Gln)

Gene: MAN2B1 (mannosidase alpha class 2B member 1; minus strand). Cytogenetic location: 19p13.13.
Variant type: single nucleotide variant.
Coding change: c.914G>A on transcript NM_000528.4 (MANE Select); coding-DNA position 914, G replaced by A.
Protein change: p.Arg305Gln; replaces arginine 305 with glutamine.
Molecular consequence: missense variant.
Genome position (GRCh38, 1-based): chr19:12,661,372, C>T on the plus strand (G>A on the coding strand, the complement: MAN2B1 is on the minus strand). VCF-style: chr19-12661372-C-T. GRCh37 (hg19) VCF-style: chr19-12772186-C-T.
Other names: c.914G>A, p.Arg305Gln (NM_001173498.2); short protein forms R305Q.
Identifiers: ClinVar variation 1401871 (VCV001401871.3), dbSNP rs781394900, ClinGen allele CA9226659.

ClinVar aggregate classification (germline): Uncertain significance (1 of 4 stars; one submission).

Conditions:
Deficiency of alpha-mannosidase (MANSA). Also called: Mannosidosis, alpha-, types I and II; Alpha-Mannosidosis; LYSOSOMAL ALPHA-D-MANNOSIDASE DEFICIENCY. Identifiers: Orphanet 61, MedGen C0024748, MONDO:0009561, OMIM 248500.

Allele frequency attached by ClinVar (database versions not stated): ExAC 0.00001; gnomAD 0.00001 and 0.00003; gnomAD exomes 0.00001; TOPMed 0.00001.
gnomAD v4.1: 28 of 1,607,974 alleles (0.0017%); highest among the groups gnomAD compares: Middle Eastern, 0.017%; no homozygotes.

Submission:

Labcorp Genetics (formerly Invitae), Labcorp
Classification: Uncertain significance for Deficiency of alpha-mannosidase. Last evaluated: 2022-09-19. Review status: criteria provided, single submitter. Criteria: Invitae Variant Classification Sherloc (09022015). Collection method: clinical testing. Allele origin: germline.
Comment: This sequence change replaces arginine, which is basic and polar, with glutamine, which is neutral and polar, at codon 305 of the MAN2B1 protein (p.Arg305Gln). This variant is present in population databases (rs781394900, gnomAD 0.004%). This variant has not been reported in the literature in individuals affected with MAN2B1-related conditions. ClinVar contains an entry for this variant (Variation ID: 1401871). Advanced modeling of protein sequence and biophysical properties (such as structural, functional, and spatial information, amino acid conservation, physicochemical variation, residue mobility, and thermodynamic stability) performed at Invitae indicates that this missense variant is not expected to disrupt MAN2B1 protein function. In summary, the available evidence is currently insufficient to determine the role of this variant in disease. Therefore, it has been classified as a Variant of Uncertain Significance.